The following is an entry in ClinVar:

NM_021930.6(RINT1):c.400C>T (p.His134Tyr)

Gene: RINT1 (RAD50 interactor 1; plus strand). Cytogenetic location: 7q22.3.
Variant type: single nucleotide variant.
Coding change: c.400C>T on transcript NM_021930.6 (MANE Select); coding-DNA position 400, C replaced by T.
Protein change: p.His134Tyr; replaces histidine 134 with tyrosine.
Molecular consequence: missense variant. On other transcripts: 5 prime UTR variant (3), non-coding transcript variant (1).
Genome position (GRCh38, 1-based): chr7:105,542,534, C>T. VCF-style: chr7-105542534-C-T. GRCh37 (hg19) VCF-style: chr7-105182981-C-T.
Other names: c.166C>T, p.His56Tyr (NM_001346599.2); c.-620C>T (NM_001346600.2); c.-523C>T (NM_001346601.2); c.-143C>T (NM_001346603.2); short protein forms H134Y, H56Y.
Identifiers: ClinVar variation 5028299 (VCV005028299.1).
Genomic context (GRCh38, chr7:105,542,534, plus strand): 5'-AAGCAATTTCTTAATCAGTTTCTGGAGCAGGAAACTCATCTCTTCAGCGCCATTAACAGC[C>T]ATTTGCTGACTGCGCAACCTTGGATGGACGATCTTGGAACCATGATTAGCCAGATTGAAG-3'
Protein context (NP_068749.3, residues 124-144): ETHLFSAINS[His134Tyr]LLTAQPWMDD

ClinVar aggregate classification (germline): Uncertain significance (1 of 4 stars; one submission).

Submission:

Ambry Genetics
Classification: Uncertain significance. Last evaluated: 2026-08-31. Review status: criteria provided, single submitter. Criteria: Ambry Variant Classification Scheme 2023. Collection method: clinical testing. Allele origin: germline.
Comment: The p.H134Y variant (also known as c.400C>T), located in coding exon 4 of the RINT1 gene, results from a C to T substitution at nucleotide position 400. The histidine at codon 134 is replaced by tyrosine, an amino acid with similar properties. This amino acid position is conserved. In addition, this alteration is predicted to be tolerated by in silico analysis. Based on the available evidence, the clinical significance of this variant remains unclear.